The following is an entry in ClinVar:

NM_031448.6(C19orf12):c.12G>A (p.Met4Ile)

Gene: C19orf12 (chromosome 19 open reading frame 12; minus strand). Cytogenetic location: 19q12.
Variant type: single nucleotide variant.
Coding change: c.12G>A on transcript NM_031448.6 (MANE Select); coding-DNA position 12, G replaced by A.
Protein change: p.Met4Ile; replaces methionine 4 with isoleucine.
Molecular consequence: missense variant. On other transcripts: 5 prime UTR variant (1), intron variant (2).
Genome position (GRCh38, 1-based): chr19:29,708,402, C>T on the plus strand (G>A on the coding strand, the complement: C19orf12 is on the minus strand). VCF-style: chr19-29708402-C-T. GRCh37 (hg19) VCF-style: chr19-30199309-C-T.
Other names: c.12G>A, p.Met4Ile (NM_001031726.4, NM_001256046.3, NM_001256047.2); c.-302G>A (NM_001282931.3); c.-32-5425G>A (NM_001282929.1, NM_001282930.3); short protein forms M4I.
Identifiers: ClinVar variation 3367687 (VCV003367687.1).

ClinVar aggregate classification (germline): Uncertain significance (1 of 4 stars; one submission).

Submission:

GeneDx
Classification: Uncertain significance. Last evaluated: 2024-01-17. Review status: criteria provided, single submitter. Criteria: GeneDx Variant Classification Process June 2021. Collection method: clinical testing. Allele origin: germline. Affected: yes.
Comment: Not observed at significant frequency in large population cohorts (gnomAD); In silico analysis supports that this missense variant does not alter protein structure/function; Has not been previously published as pathogenic or benign to our knowledge